The following is an entry in ClinVar:

ClinVar aggregate classification (germline): Uncertain significance (1 of 4 stars; one submission).

Submission:

Labcorp Genetics (formerly Invitae), Labcorp
Classification: Uncertain significance. Last evaluated: 2022-12-07. Review status: criteria provided, single submitter. Criteria: Invitae Variant Classification Sherloc (09022015). Collection method: clinical testing. Allele origin: germline.
Comment: In summary, the available evidence is currently insufficient to determine the role of this variant in disease. Therefore, it has been classified as a Variant of Uncertain Significance. Advanced modeling of protein sequence and biophysical properties (such as structural, functional, and spatial information, amino acid conservation, physicochemical variation, residue mobility, and thermodynamic stability) performed at Invitae indicates that this missense variant is not expected to disrupt COL2A1 protein function. This variant has not been reported in the literature in individuals affected with COL2A1-related conditions. This variant is not present in population databases (gnomAD no frequency). This sequence change replaces leucine, which is neutral and non-polar, with arginine, which is basic and polar, at codon 1236 of the COL2A1 protein (p.Leu1236Arg).

NM_001844.5(COL2A1):c.3707T>G (p.Leu1236Arg)

Gene: COL2A1 (collagen type II alpha 1 chain; minus strand). Cytogenetic location: 12q13.11.
Variant type: single nucleotide variant.
Coding change: c.3707T>G on transcript NM_001844.5 (MANE Select); coding-DNA position 3707, T replaced by G.
Protein change: p.Leu1236Arg; replaces leucine 1236 with arginine.
Molecular consequence: missense variant.
Genome position (GRCh38, 1-based): chr12:47,975,496, A>C on the plus strand (T>G on the coding strand, the complement: COL2A1 is on the minus strand). VCF-style: chr12-47975496-A-C. GRCh37 (hg19) VCF-style: chr12-48369279-A-C.
Other names: c.3500T>G, p.Leu1167Arg (NM_033150.3); short protein forms L1167R, L1236R.
Identifiers: ClinVar variation 2819048 (VCV002819048.3), dbSNP rs368270799, ClinGen allele CA384536863.